The following is an entry in ClinVar:

ClinVar aggregate classification (germline): Uncertain significance (1 of 4 stars; one submission).

Conditions:
Hereditary cancer-predisposing syndrome. Also called: Hereditary neoplastic syndrome; Neoplastic Syndromes, Hereditary; Tumor predisposition; Hereditary Cancer Syndrome. Identifiers: Orphanet 140162, MedGen C0027672, MeSH D009386, MONDO:0015356.

Submission:

Ambry Genetics
Classification: Uncertain significance for Hereditary cancer-predisposing syndrome. Last evaluated: 2025-06-24. Review status: criteria provided, single submitter. Criteria: Ambry Variant Classification Scheme 2023. Collection method: clinical testing. Allele origin: germline.
Comment: The p.T55A variant (also known as c.163A>G), located in coding exon 2 of the NBN gene, results from an A to G substitution at nucleotide position 163. The threonine at codon 55 is replaced by alanine, an amino acid with similar properties. This amino acid position is conserved. In addition, this alteration is predicted to be tolerated by in silico analysis. Based on the available evidence, the clinical significance of this variant remains unclear.

NM_002485.5(NBN):c.163A>G (p.Thr55Ala)

Gene: NBN (nibrin; minus strand). Cytogenetic location: 8q21.3.
Variant type: single nucleotide variant.
Coding change: c.163A>G on transcript NM_002485.5 (MANE Select); coding-DNA position 163, A replaced by G.
Protein change: p.Thr55Ala; replaces threonine 55 with alanine.
Molecular consequence: missense variant. On other transcripts: 5 prime UTR variant (3).
Genome position (GRCh38, 1-based): chr8:89,982,730, T>C on the plus strand (A>G on the coding strand, the complement: NBN is on the minus strand). VCF-style: chr8-89982730-T-C. GRCh37 (hg19) VCF-style: chr8-90994958-T-C.
Other names: c.-134A>G (NM_001024688.3, NM_001440380.1); c.-84A>G (NM_001440379.1); short protein forms T55A.
Identifiers: ClinVar variation 4117263 (VCV004117263.1).